The following is an entry in ClinVar:

NM_020433.5(JPH2):c.1804G>A (p.Ala602Thr)

Gene: JPH2 (junctophilin 2; minus strand). Cytogenetic location: 20q13.12.
Variant type: single nucleotide variant.
Coding change: c.1804G>A on transcript NM_020433.5 (MANE Select); coding-DNA position 1804, G replaced by A.
Protein change: p.Ala602Thr; replaces alanine 602 with threonine.
Molecular consequence: missense variant.
Genome position (GRCh38, 1-based): chr20:44,115,871, C>T on the plus strand (G>A on the coding strand, the complement: JPH2 is on the minus strand). VCF-style: chr20-44115871-C-T. GRCh37 (hg19) VCF-style: chr20-42744511-C-T.
Other names: short protein forms A602T.
Identifiers: ClinVar variation 1780457 (VCV001780457.2), dbSNP rs1299492079, ClinGen allele CA409099897.

ClinVar aggregate classification (germline): Uncertain significance (1 of 4 stars; one submission).

Conditions:
Cardiovascular phenotype. Identifiers: MedGen CN230736.

Allele frequency attached by ClinVar (database versions not stated): TOPMed below 0.00001; gnomAD 0.00001.
gnomAD v4.1: 5 of 1,583,922 alleles (0.00032%); highest among the groups gnomAD compares: Middle Eastern, 0.035%; no homozygotes.

Submission:

Ambry Genetics
Classification: Uncertain significance for Cardiovascular phenotype. Last evaluated: 2022-01-07. Review status: criteria provided, single submitter. Criteria: Ambry Variant Classification Scheme 2023. Collection method: clinical testing. Allele origin: germline.
Comment: The p.A602T variant (also known as c.1804G>A), located in coding exon 4 of the JPH2 gene, results from a G to A substitution at nucleotide position 1804. The alanine at codon 602 is replaced by threonine, an amino acid with similar properties. This amino acid position is not well conserved in available vertebrate species. In addition, this alteration is predicted to be tolerated by in silico analysis. Since supporting evidence is limited at this time, the clinical significance of this alteration remains unclear.